The following is an entry in ClinVar:

NM_015909.4(NBAS):c.4144A>G (p.Ser1382Gly)

Gene: NBAS (NBAS subunit of NRZ tethering complex; minus strand). Cytogenetic location: 2p24.3.
Variant type: single nucleotide variant.
Coding change: c.4144A>G on transcript NM_015909.4 (MANE Select); coding-DNA position 4144, A replaced by G.
Protein change: p.Ser1382Gly; replaces serine 1382 with glycine.
Molecular consequence: missense variant. On other transcripts: non-coding transcript variant (1).
Genome position (GRCh38, 1-based): chr2:15,352,027, T>C on the plus strand (A>G on the coding strand, the complement: NBAS is on the minus strand). VCF-style: chr2-15352027-T-C. GRCh37 (hg19) VCF-style: chr2-15492151-T-C.
Other names: c.4144A>G (NM_015909.3); short protein forms S1382G.
Identifiers: ClinVar variation 1144072 (VCV001144072.13), dbSNP rs116643327, ClinGen allele CA1535774.

ClinVar aggregate classification (germline): Likely benign. Review status: criteria provided, multiple submitters, no conflicts (2 of 4 stars). 4 submissions from 4 submitters: Likely benign (3). 1 of the submissions does not count toward it. Last evaluated 2026-02-02.

Conditions:
NBAS-related disorder. Also called: NBAS-related condition.

Allele frequency attached by ClinVar (database versions not stated): gnomAD exomes 0.00005 and 0.00018; ExAC 0.00016; 1000 Genomes Project 0.00020; 1000 Genomes Project 30x 0.00031; gnomAD 0.00066 and 0.00075; ESP Exome Variant Server 0.00085; TOPMed 0.00086.
gnomAD v4.1: 177 of 1,612,450 alleles (0.011%); highest among the groups gnomAD compares: African/African-American, 0.21%; no homozygotes.

Submissions (4):

Labcorp Genetics (formerly Invitae), Labcorp
Classification: Likely benign. Last evaluated: 2026-02-02. Review status: criteria provided, single submitter. Criteria: Invitae Variant Classification Sherloc (09022015). Collection method: clinical testing. Allele origin: germline.

Women's Health and Genetics/Laboratory Corporation of America, LabCorp
Classification: Likely benign. Last evaluated: 2025-09-04. Review status: criteria provided, single submitter. Criteria: LabCorp Variant Classification Summary - May 2015. Collection method: clinical testing. Allele origin: germline.
Comment: Variant summary: NBAS c.4144A>G (p.Ser1382Gly) results in a non-conservative amino acid change in the encoded protein sequence. Algorithms developed to predict the effect of missense changes on protein structure and function are either unavailable or do not agree on the potential impact of this missense change. The variant allele was found at a frequency of 0.00018 in 251232 control chromosomes, predominantly at a frequency of 0.0024 within the African or African-American subpopulation in the gnomAD database. The observed variant frequency within African or African-American control individuals in the gnomAD database exceeds the estimated maximal expected allele frequency for disease-causing variants in NBAS. To our knowledge, no occurrence of c.4144A>G in individuals affected with NBAS-related conditions and no experimental evidence demonstrating its impact on protein function have been reported. ClinVar contains an entry for this variant (Variation ID: 1144072). Based on the evidence outlined above, the variant was classified as likely benign.

Blueprint Genetics
Classification: Likely benign. Last evaluated: 2023-10-04. Review status: criteria provided, single submitter. Criteria: ACMG Guidelines, 2015. Collection method: clinical testing. Allele origin: germline.

PreventionGenetics, part of Exact Sciences
Classification: Likely benign for NBAS-related condition. Last evaluated: 2022-08-09. Review status: no assertion criteria provided. Collection method: clinical testing. Allele origin: germline. Not counted in ClinVar's aggregate classification.
Comment: This variant is classified as likely benign based on ACMG/AMP sequence variant interpretation guidelines (Richards et al. 2015 PMID: 25741868, with internal and published modifications).